The following is an entry in ClinVar:

ClinVar aggregate classification (germline): Benign/Likely benign. Review status: criteria provided, multiple submitters, no conflicts (2 of 4 stars). 3 submissions from 3 submitters: Benign (1); Likely benign (2). Last evaluated 2018-01-13.

Conditions:
Autosomal recessive nonsyndromic hearing loss 6. Also called: NEUROSENSORY NONSYNDROMIC RECESSIVE DEAFNESS 6. Identifiers: Orphanet 90636, MedGen C1832992, MONDO:0010965, OMIM 600971.

Allele frequency attached by ClinVar (database versions not stated): 1000 Genomes Project 30x 0.00765; 1000 Genomes Project 0.00839; TOPMed 0.01887; gnomAD 0.01988; gnomAD exomes 0.02818; ExAC 0.04300.
gnomAD v4.1: 35,459 of 1,387,772 alleles (2.6%); highest among the groups gnomAD compares: Non-Finnish European, 2.9%; 568 homozygotes.

Submissions (3):

Illumina Laboratory Services, Illumina
Classification: Likely benign for Autosomal recessive nonsyndromic hearing loss 6. Last evaluated: 2018-01-13. Review status: criteria provided, single submitter. Criteria: ICSL Variant Classification Criteria 13 December 2019. Collection method: clinical testing. Allele origin: germline.
Comment: This variant was observed in the ICSL laboratory as part of a predisposition screen in an ostensibly healthy population. It had not been previously curated by ICSL or reported in the Human Gene Mutation Database (HGMD: prior to June 1st, 2018), and was therefore a candidate for classification through an automated scoring system. Utilizing variant allele frequency, disease prevalence and penetrance estimates, and inheritance mode, an automated score was calculated to assess if this variant is too frequent to cause the disease. Based on the score and internal cut-off values, a variant classified as likely benign is not then subjected to further curation. The score for this variant resulted in a classification of likely benign for this disease.

GeneDx
Classification: Benign. Last evaluated: 2017-12-19. Review status: criteria provided, single submitter. Criteria: GeneDx Variant Classification (06012015). Collection method: clinical testing. Allele origin: germline. Affected: yes.
Comment: This variant is considered likely benign or benign based on one or more of the following criteria: it is a conservative change, it occurs at a poorly conserved position in the protein, it is predicted to be benign by multiple in silico algorithms, and/or has population frequency not consistent with disease.

Breakthrough Genomics
Classification: Likely benign. Review status: criteria provided, single submitter. Criteria: ACMG Guidelines, 2015. Collection method: not provided. Allele origin: germline. Inheritance: Autosomal recessive inheritance. Affected: yes.

NM_147196.3(TMIE):c.-37C>A

Gene: TMIE (transmembrane inner ear; plus strand). Cytogenetic location: 3p21.31.
Variant type: single nucleotide variant.
Coding change: c.-37C>A on transcript NM_147196.3 (MANE Select); 37 bases upstream of the start codon, C replaced by A.
Molecular consequence: 5 prime UTR variant. On other transcripts: intron variant (2).
Genome position (GRCh38, 1-based): chr3:46,701,451, C>A. VCF-style: chr3-46701451-C-A. GRCh37 (hg19) VCF-style: chr3-46742941-C-A.
Other names: c.-66-4339C>A (NM_001370524.1, NM_001370525.1).
Identifiers: ClinVar variation 345547 (VCV000345547.6), dbSNP rs530579940, ClinGen allele CA2357912.
Genomic context (GRCh38, chr3:46,701,451, plus strand): 5'-CCAAAGCCCGTGGCCACCGAGCGCCGGCTGGCAGGGGCAGTGACCGGCGGCCGGCCCGTT[C>A]GTCCCTGGGCTCCGCAAGCGGCGCGGTGGCACGAAGATGGCGGGGTGGCCGGGCGCGGGT-3'